The following is an entry in ClinVar:

ClinVar aggregate classification (germline): Uncertain significance (1 of 4 stars; one submission).

Submission:

Labcorp Genetics (formerly Invitae), Labcorp
Classification: Uncertain significance. Last evaluated: 2022-11-22. Review status: criteria provided, single submitter. Criteria: Invitae Variant Classification Sherloc (09022015). Collection method: clinical testing. Allele origin: germline.
Comment: In summary, the available evidence is currently insufficient to determine the role of this variant in disease. Therefore, it has been classified as a Variant of Uncertain Significance. Algorithms developed to predict the effect of missense changes on protein structure and function (SIFT, PolyPhen-2, Align-GVGD) all suggest that this variant is likely to be tolerated. This variant has not been reported in the literature in individuals affected with HSPG2-related conditions. This variant is not present in population databases (gnomAD no frequency). This sequence change replaces glutamic acid, which is acidic and polar, with lysine, which is basic and polar, at codon 3881 of the HSPG2 protein (p.Glu3881Lys).

NM_005529.7(HSPG2):c.11641G>A (p.Glu3881Lys)

Gene: HSPG2 (heparan sulfate proteoglycan 2; minus strand). Cytogenetic location: 1p36.12.
Variant type: single nucleotide variant.
Coding change: c.11641G>A on transcript NM_005529.7 (MANE Select); coding-DNA position 11641, G replaced by A.
Protein change: p.Glu3881Lys; replaces glutamic acid 3881 with lysine.
Molecular consequence: missense variant.
Genome position (GRCh38, 1-based): chr1:21,831,012, C>T on the plus strand (G>A on the coding strand, the complement: HSPG2 is on the minus strand). VCF-style: chr1-21831012-C-T. GRCh37 (hg19) VCF-style: chr1-22157505-C-T.
Other names: c.11644G>A, p.Glu3882Lys (NM_001291860.2); short protein forms E3881K, E3882K.
Identifiers: ClinVar variation 1966705 (VCV001966705.5), dbSNP rs2550621044, ClinGen allele CA338903030.